The following is an entry in ClinVar:

NM_016592.5(GNAS):c.273A>C (p.Ala91=)

Genes: GNAS (GNAS complex locus; plus strand), GNAS-AS1 (GNAS antisense RNA 1; minus strand). Cytogenetic location: 20q13.32.
Variant type: single nucleotide variant.
Coding change: c.273A>C on transcript NM_016592.5 (MANE Plus Clinical); coding-DNA position 273, A replaced by C.
Protein change: p.Ala91=; no amino-acid change (alanine 91 retained).
Molecular consequence: synonymous variant. On other transcripts: 5 prime UTR variant (1).
Genome position (GRCh38, 1-based): chr20:58,840,379, A>C. VCF-style: chr20-58840379-A-C. GRCh37 (hg19) VCF-style: chr20-57415434-A-C.
Other names: c.-465A>C (NM_001410912.1).
Identifiers: ClinVar variation 4995556 (VCV004995556.1).

ClinVar aggregate classification (germline): Likely benign (1 of 4 stars; one submission).

Conditions:
GNAS-related disorder. Identifiers: MedGen CN380105.

gnomAD v4.1: 4 of 1,613,450 alleles (0.00025%); highest among the groups gnomAD compares: East Asian, 0.0022%; no homozygotes.

Submission:

PreventionGenetics, part of Exact Sciences
Classification: Likely benign for GNAS-related condition. Last evaluated: 2026-07-24. Review status: criteria provided, single submitter. Criteria: ACMG Guidelines, 2015. Collection method: clinical testing. Allele origin: germline.
Comment: This variant is classified as likely benign based on ACMG/AMP sequence variant interpretation guidelines (Richards et al. 2015 PMID: 25741868, with internal and published modifications).